The following is an entry in ClinVar:

ClinVar aggregate classification (germline): Likely benign (1 of 4 stars; one submission).

gnomAD v4.1: 2 of 1,612,334 alleles (0.00012%); highest among the groups gnomAD compares: Non-Finnish European, 0.00017%; no homozygotes.

Submission:

CeGaT Center for Human Genetics Tuebingen
Classification: Likely benign. Last evaluated: 2025-06-01. Review status: criteria provided, single submitter. Criteria: CeGaT Center For Human Genetics Tuebingen Variant Classification Criteria Version 2. Collection method: clinical testing. Allele origin: germline. Affected: yes. Observed: 1 variant allele.
Comment: ADAMTSL1: BP4, BP7

NM_001040272.6(ADAMTSL1):c.2820G>A (p.Ser940=)

Gene: ADAMTSL1 (ADAMTS like 1; plus strand). Cytogenetic location: 9p22.1.
Variant type: single nucleotide variant.
Coding change: c.2820G>A on transcript NM_001040272.6 (MANE Select); coding-DNA position 2820, G replaced by A.
Protein change: p.Ser940=; no amino-acid change (serine 940 retained).
Molecular consequence: synonymous variant.
Genome position (GRCh38, 1-based): chr9:18,777,049, G>A. VCF-style: chr9-18777049-G-A. GRCh37 (hg19) VCF-style: chr9-18777047-G-A.
Identifiers: ClinVar variation 4084838 (VCV004084838.8).